The following is an entry in ClinVar:

ClinVar aggregate classification (germline): Uncertain significance (1 of 4 stars; one submission).

Allele frequency attached by ClinVar (database versions not stated): gnomAD exomes 0.00001.
gnomAD v4.1: 3 of 1,612,202 alleles (0.00019%); highest among the groups gnomAD compares: South Asian, 0.0033%; 1 homozygote.

Submission:

Labcorp Genetics (formerly Invitae), Labcorp
Classification: Uncertain significance. Last evaluated: 2021-03-12. Review status: criteria provided, single submitter. Criteria: Invitae Variant Classification Sherloc (09022015). Collection method: clinical testing. Allele origin: germline.
Comment: This sequence change replaces isoleucine with valine at codon 139 of the OPA1 protein (p.Ile139Val). The isoleucine residue is weakly conserved and there is a small physicochemical difference between isoleucine and valine. This variant is not present in population databases (ExAC no frequency). This variant has not been reported in the literature in individuals with OPA1-related conditions. Advanced modeling of protein sequence and biophysical properties (such as structural, functional, and spatial information, amino acid conservation, physicochemical variation, residue mobility, and thermodynamic stability) performed at Invitae indicates that this missense variant is not expected to disrupt OPA1 protein function. In summary, the available evidence is currently insufficient to determine the role of this variant in disease. Therefore, it has been classified as a Variant of Uncertain Significance.

NM_130837.3(OPA1):c.415A>G (p.Ile139Val)

Gene: OPA1 (OPA1 mitochondrial dynamin like GTPase; plus strand). Cytogenetic location: 3q29.
Variant type: single nucleotide variant.
Coding change: c.415A>G on transcript NM_130837.3 (MANE Select); coding-DNA position 415, A replaced by G.
Protein change: p.Ile139Val; replaces isoleucine 139 with valine.
Molecular consequence: missense variant.
Genome position (GRCh38, 1-based): chr3:193,615,737, A>G. VCF-style: chr3-193615737-A-G. GRCh37 (hg19) VCF-style: chr3-193333526-A-G.
Other names: c.43A>G, p.Ile15Val (NM_001354663.2, NM_001354664.2); c.415A>G, p.Ile139Val (NM_015560.3, NM_130831.3, NM_130832.3 and 4 more transcripts); short protein forms I15V, I139V.
Identifiers: ClinVar variation 1463455 (VCV001463455.8), dbSNP rs2108869216, ClinGen allele CA355787205.
Genomic context (GRCh38, chr3:193,615,737, plus strand): 5'-TTTGATCAGTGGAAAGATATGATACCGGACCTTAGTGAATATAAATGGATTGTGCCTGAC[A>G]TTGTGTGGGAAATTGATGAGTATATCGATTTTGGTTTGTATCATGAACATTAAAATACTT-3'
Protein context (NP_570850.2, residues 129-149): LSEYKWIVPD[Ile139Val]VWEIDEYIDF